The following is an entry in ClinVar:

NM_004006.3(DMD):c.717G>T (p.Leu239Phe)

Gene: DMD (dystrophin; minus strand). Cytogenetic location: Xp21.1.
Variant type: single nucleotide variant.
Coding change: c.717G>T on transcript NM_004006.3 (MANE Select); coding-DNA position 717, G replaced by T.
Protein change: p.Leu239Phe; replaces leucine 239 with phenylalanine.
Molecular consequence: missense variant.
Genome position (GRCh38, 1-based): chrX:32,699,226, C>A on the plus strand (G>T on the coding strand, the complement: DMD is on the minus strand). VCF-style: chrX-32699226-C-A. GRCh37 (hg19) VCF-style: chrX-32717343-C-A.
Other names: c.693G>T, p.Leu231Phe (NM_000109.4); c.705G>T, p.Leu235Phe (NM_004009.3); c.348G>T, p.Leu116Phe (NM_004010.3); short protein forms L116F, L239F, L231F, L235F.
Identifiers: ClinVar variation 2182098 (VCV002182098.5), dbSNP rs1222379202, ClinGen allele CA412669039.

ClinVar aggregate classification (germline): Uncertain significance. Review status: criteria provided, multiple submitters, no conflicts (2 of 4 stars). 3 submissions from 3 submitters: Uncertain significance (3). Last evaluated 2025-09-03.

Conditions:
Duchenne muscular dystrophy (DMD). Also called: MUSCULAR DYSTROPHY, PSEUDOHYPERTROPHIC PROGRESSIVE, DUCHENNE TYPE; Duchenne Muscular Dystrophy (DMD). Identifiers: Orphanet 98896, MedGen C0013264, MONDO:0010679, OMIM 310200.

Allele frequency attached by ClinVar (database versions not stated): gnomAD 0.00001; TOPMed 0.00001.
gnomAD v4.1: 2 of 1,207,957 alleles (0.00017%); highest among the groups gnomAD compares: African/African-American, 0.0018%; no homozygotes.

Submissions (3):

Labcorp Genetics (formerly Invitae), Labcorp
Classification: Uncertain significance for Duchenne muscular dystrophy. Last evaluated: 2025-09-03. Review status: criteria provided, single submitter. Criteria: Invitae Variant Classification Sherloc (09022015). Collection method: clinical testing. Allele origin: germline.
Comment: This sequence change replaces leucine, which is neutral and non-polar, with phenylalanine, which is neutral and non-polar, at codon 239 of the DMD protein (p.Leu239Phe). This variant is not present in population databases (gnomAD no frequency). This variant has not been reported in the literature in individuals affected with DMD-related conditions. ClinVar contains an entry for this variant (Variation ID: 2182098). Invitae Evidence Modeling of protein sequence and biophysical properties (such as structural, functional, and spatial information, amino acid conservation, physicochemical variation, residue mobility, and thermodynamic stability) indicates that this missense variant is not expected to disrupt DMD protein function with a negative predictive value of 95%. In summary, the available evidence is currently insufficient to determine the role of this variant in disease. Therefore, it has been classified as a Variant of Uncertain Significance.

ARUP Laboratories, Molecular Genetics and Genomics, ARUP Laboratories
Classification: Uncertain significance. Last evaluated: 2025-03-21. Review status: criteria provided, single submitter. Criteria: ARUP Molecular Germline Variant Investigation Process 2024. Collection method: clinical testing. Allele origin: germline.
Comment: The DMD c.717G>T; p.Leu239Phe variant (rs1222379202), to our knowledge, is not reported in the medical literature but is reported in ClinVar (Variation ID: 2182098). This variant is absent from the Genome Aggregation Database (v2.1.1), indicating it is not a common polymorphism. Computational analyses are uncertain whether this variant is neutral or deleterious (REVEL: 0.346). Due to limited information, the clinical significance of this variant is uncertain at this time.

GeneDx
Classification: Uncertain significance. Last evaluated: 2025-03-19. Review status: criteria provided, single submitter. Criteria: GeneDx Variant Classification Process June 2021. Collection method: clinical testing. Allele origin: germline. Affected: yes.
Comment: Has not been previously published as pathogenic or benign to our knowledge; In silico analysis supports that this missense variant has a deleterious effect on protein structure/function